The following is an entry in ClinVar:

NM_001429.4(EP300):c.5634C>T (p.Thr1878=)

Gene: EP300 (EP300 lysine acetyltransferase; plus strand). Cytogenetic location: 22q13.2.
Variant type: single nucleotide variant.
Coding change: c.5634C>T on transcript NM_001429.4 (MANE Select); coding-DNA position 5634, C replaced by T.
Protein change: p.Thr1878=; no amino-acid change (threonine 1878 retained).
Molecular consequence: synonymous variant.
Genome position (GRCh38, 1-based): chr22:41,177,345, C>T. VCF-style: chr22-41177345-C-T. GRCh37 (hg19) VCF-style: chr22-41573349-C-T.
Other names: c.5556C>T, p.Thr1852= (NM_001362843.2).
Identifiers: ClinVar variation 2727998 (VCV002727998.16), dbSNP rs768483167, ClinGen allele CA10253674.
Genomic context (GRCh38, chr22:41,177,345, plus strand): 5'-AACTGGCCAACAGCCAACCACCCCGCAGACGCCCCAGCCCACTTCTCAGCCTCAGCCTAC[C>T]CCTCCCAATAGCATGCCACCCTACTTGCCCAGGACTCAAGCTGCTGGCCCTGTGTCCCAG-3'
Protein context (NP_001420.2, residues 1868-1888): TPQPTSQPQP[Thr1878=]PPNSMPPYLP

ClinVar aggregate classification (germline): Benign/Likely benign. Review status: criteria provided, multiple submitters, no conflicts (2 of 4 stars). 2 submissions from 2 submitters: Benign (1); Likely benign (1). Last evaluated 2025-02-19.

Conditions:
Rubinstein-Taybi syndrome due to EP300 haploinsufficiency. Also called: EP300-Related Rubinstein-Taybi Syndrome; RUBINSTEIN-TAYBI SYNDROME 2. Identifiers: Orphanet 353284, Orphanet 783, MedGen C3150941, MONDO:0013364, OMIM 613684.

Allele frequency attached by ClinVar (database versions not stated): gnomAD 0.00001; ExAC 0.00002; TOPMed 0.00002.
gnomAD v4.1: 43 of 1,613,948 alleles (0.0027%); highest among the groups gnomAD compares: East Asian, 0.0045%; no homozygotes.

Submissions (2):

Labcorp Genetics (formerly Invitae), Labcorp
Classification: Benign for Rubinstein-Taybi syndrome due to EP300 haploinsufficiency. Last evaluated: 2025-02-19. Review status: criteria provided, single submitter. Criteria: Invitae Variant Classification Sherloc (09022015). Collection method: clinical testing. Allele origin: germline.

CeGaT Center for Human Genetics Tuebingen
Classification: Likely benign. Last evaluated: 2024-12-01. Review status: criteria provided, single submitter. Criteria: CeGaT Center For Human Genetics Tuebingen Variant Classification Criteria Version 2. Collection method: clinical testing. Allele origin: germline. Affected: yes. Observed: 1 variant allele.
Comment: EP300: BP4, BP7